The following is an entry in ClinVar:

ClinVar aggregate classification (germline): Uncertain significance. Review status: criteria provided, multiple submitters, no conflicts (2 of 4 stars). 2 submissions from 2 submitters: Uncertain significance (2). Last evaluated 2024-11-25.

Conditions:
Neuronal ceroid lipofuscinosis 11. Also called: GRN-Related Neuronal Ceroid-Lipofuscinosis. Identifiers: Orphanet 314629, Orphanet 79262, MedGen C3539123, MONDO:0013866, OMIM 614706.
GRN-related frontotemporal lobar degeneration with Tdp43 inclusions (FTD2). Also called: DEMENTIA, HEREDITARY DYSPHASIC DISINHIBITION; FRONTOTEMPORAL LOBAR DEGENERATION WITH UBIQUITIN-POSITIVE INCLUSIONS; FTLD-TDP, GRN-RELATED; GRN Frontotemporal Dementia; FRONTOTEMPORAL DEMENTIA WITH TDP43 INCLUSIONS, GRN-RELATED. Identifiers: Orphanet 100070, Orphanet 282, MedGen C1843792, MONDO:0011842, OMIM 607485. Disease mechanism: loss of function.

Allele frequency attached by ClinVar (database versions not stated): gnomAD 0.00003; TOPMed 0.00005; gnomAD exomes below 0.00001.
gnomAD v4.1: 6 of 1,613,800 alleles (0.00037%); highest among the groups gnomAD compares: African/African-American, 0.008%; no homozygotes.

Submissions (2):

Labcorp Genetics (formerly Invitae), Labcorp
Classification: Uncertain significance for Neuronal ceroid lipofuscinosis 11; GRN-related frontotemporal lobar degeneration with Tdp43 inclusions. Last evaluated: 2024-11-25. Review status: criteria provided, single submitter. Criteria: Invitae Variant Classification Sherloc (09022015). Collection method: clinical testing. Allele origin: germline.
Comment: This sequence change replaces phenylalanine, which is neutral and non-polar, with valine, which is neutral and non-polar, at codon 136 of the GRN protein (p.Phe136Val). This variant is present in population databases (no rsID available, gnomAD 0.02%). This variant has not been reported in the literature in individuals affected with GRN-related conditions. ClinVar contains an entry for this variant (Variation ID: 2137052). Invitae Evidence Modeling of protein sequence and biophysical properties (such as structural, functional, and spatial information, amino acid conservation, physicochemical variation, residue mobility, and thermodynamic stability) indicates that this missense variant is not expected to disrupt GRN protein function with a negative predictive value of 80%. In summary, the available evidence is currently insufficient to determine the role of this variant in disease. Therefore, it has been classified as a Variant of Uncertain Significance.

Revvity Omics, Revvity
Classification: Uncertain significance. Last evaluated: 2021-03-17. Review status: criteria provided, single submitter. Criteria: ACMG Guidelines, 2015. Collection method: clinical testing. Allele origin: germline.

NM_002087.4(GRN):c.406T>G (p.Phe136Val)

Gene: GRN (granulin precursor; plus strand). Cytogenetic location: 17q21.31.
Variant type: single nucleotide variant.
Coding change: c.406T>G on transcript NM_002087.4 (MANE Select); coding-DNA position 406, T replaced by G.
Protein change: p.Phe136Val; replaces phenylalanine 136 with valine.
Molecular consequence: missense variant.
Genome position (GRCh38, 1-based): chr17:44,350,284, T>G. VCF-style: chr17-44350284-T-G. GRCh37 (hg19) VCF-style: chr17-42427652-T-G.
Other names: short protein forms F136V.
Identifiers: ClinVar variation 2137052 (VCV002137052.7), dbSNP rs1314159800, ClinGen allele CA399762929.